The following is an entry in ClinVar:

NM_001848.3(COL6A1):c.1075_1076delinsAA (p.Gly359Asn)

Gene: COL6A1 (collagen type VI alpha 1 chain; plus strand). Cytogenetic location: 21q22.3.
Variant type: Indel.
Coding change: c.1075_1076delinsAA on transcript NM_001848.3 (MANE Select); coding-DNA positions 1075 to 1076, GG replaced by AA.
Protein change: p.Gly359Asn; replaces glycine 359 with asparagine.
Molecular consequence: missense variant.
Genome position (GRCh38, 1-based): chr21:45,990,997-45,990,998, GG replaced by AA. VCF-style: chr21-45990997-GG-AA. GRCh37 (hg19) VCF-style: chr21-47410911-GG-AA.
Other names: short protein forms G359N.
Identifiers: ClinVar variation 283508 (VCV000283508.12), dbSNP rs886042646, ClinGen allele CA10604516.

ClinVar aggregate classification (germline): Conflicting classifications of pathogenicity. Review status: criteria provided, conflicting classifications (1 of 4 stars). 3 submissions from 3 submitters: Likely pathogenic (1); Uncertain significance (2). Last evaluated 2026-03-20.

Conditions:
Bethlem myopathy 1A. Also called: MYOPATHY, BENIGN CONGENITAL, WITH CONTRACTURES; Bethlem myopathy 1; Bethlem Muscular Dystrophy. Identifiers: Orphanet 610, MedGen CN029274, MONDO:0024530, OMIM 158810.

Submissions (3):

Dasa
Classification: Uncertain significance for Bethlem myopathy 1A. Last evaluated: 2026-03-20. Review status: criteria provided, single submitter. Criteria: DASA Assertion Criteria. Collection method: clinical testing. Allele origin: germline.
Comment: NM_001848.3(COL6A1):c.1075_1076delinsAA (p.Gly359Asn) is an in-frame insertion/deletion-insertion predicted to alter the protein sequence without shifting the reading frame. The affected residue or protein region has prior evidence supporting clinical relevance. This variant is rare in population databases. The currently available literature and clinical evidence are not sufficient to establish a definitive association between this variant and the reported condition. Therefore, this variant is classified as a variant of uncertain significance.

Labcorp Genetics (formerly Invitae), Labcorp
Classification: Uncertain significance for Bethlem myopathy 1A. Last evaluated: 2021-08-16. Review status: criteria provided, single submitter. Criteria: Invitae Variant Classification Sherloc (09022015). Collection method: clinical testing. Allele origin: germline.
Comment: In summary, the available evidence is currently insufficient to determine the role of this variant in disease. Therefore, it has been classified as a Variant of Uncertain Significance. This variant disrupts the triple helix domain of COL6A1. Glycine residues within the Gly-Xaa-Yaa repeats of the triple helix domain are required for the structure and stability of fibrillar collagens (PMID: 7695699, 8218237, 19344236). In COL6A1, variants at these glycine residues are significantly enriched in individuals with autosomal dominant disease (PMID: 15689448, 24038877) compared to the general population (ExAC). Experimental studies and prediction algorithms are not available or were not evaluated, and the functional significance of this variant is currently unknown. ClinVar contains an entry for this variant (Variation ID: 283508). This variant has not been reported in the literature in individuals affected with COL6A1-related conditions. The frequency data for this variant in the population databases is not available, as this variant may be reported as separate entries in the ExAC database. This sequence change replaces glycine with asparagine at codon 359 of the COL6A1 protein (p.Gly359Asn). The glycine residue is highly conserved and there is a moderate physicochemical difference between glycine and asparagine.

Eurofins Ntd Llc (ga)
Classification: Likely pathogenic. Last evaluated: 2015-09-22. Review status: criteria provided, single submitter. Criteria: EGL Classification Definitions 2015. Collection method: clinical testing. Allele origin: germline. Observed: 1 variant allele, 1 heterozygote.

Literature cited by the submitters: PubMed 7695699 (cited by Labcorp Genetics (formerly Invitae), Labcorp); PubMed 8218237 (cited by Labcorp Genetics (formerly Invitae), Labcorp); PubMed 19344236 (cited by Labcorp Genetics (formerly Invitae), Labcorp); PubMed 15689448 (cited by Labcorp Genetics (formerly Invitae), Labcorp); PubMed 24038877 (cited by Labcorp Genetics (formerly Invitae), Labcorp).